The following is an entry in ClinVar:

NM_015627.3(LDLRAP1):c.24dup (p.Arg9fs)

Genes: LDLRAP1 (low density lipoprotein receptor adaptor protein 1; plus strand), LOC129929773 (ATAC-STARR-seq lymphoblastoid silent region 456; plus strand). Cytogenetic location: 1p36.11.
Variant type: Duplication.
Coding change: c.24dup on transcript NM_015627.3 (MANE Select); coding-DNA position 24, one base duplicated (G; older notation c.24dupG).
Protein change: p.Arg9fs; shifts the reading frame from arginine 9.
Molecular consequence: frameshift variant.
Genome position (GRCh38, 1-based): chr1:25,543,722, G duplicated; the last of 4 consecutive G bases (chr1:25,543,719-25,543,722); duplicating any one gives the same sequence. VCF-style (leftmost placement, unchanged base first): chr1-25543718-C-CG. GRCh37 (hg19) VCF-style: chr1-25870209-C-CG.
Other names: c.24dupG (NM_015627.2); short protein forms R9fs.
Identifiers: ClinVar variation 1792217 (VCV001792217.4), dbSNP rs2043857269, ClinGen allele CA1159701173.

ClinVar aggregate classification (germline): Pathogenic/Likely pathogenic. Review status: criteria provided, multiple submitters, no conflicts (2 of 4 stars). 2 submissions from 2 submitters: Pathogenic (1); Likely pathogenic (1). Last evaluated 2023-09-19.

Conditions:
Cardiovascular phenotype. Identifiers: MedGen CN230736.
LDLRAP1-related disorders.

Submissions (2):

Blueprint Genetics
Classification: Likely pathogenic for LDLRAP1-related disorders. Last evaluated: 2023-09-19. Review status: criteria provided, single submitter. Criteria: ACMG Guidelines, 2015. Collection method: clinical testing. Allele origin: germline. Affected: yes. Observed: 1 variant allele.

Ambry Genetics
Classification: Pathogenic for Cardiovascular phenotype. Last evaluated: 2020-05-07. Review status: criteria provided, single submitter. Criteria: Ambry Variant Classification Scheme 2023. Collection method: clinical testing. Allele origin: germline.
Comment: The c.24dupG pathogenic mutation, located in coding exon 1 of the LDLRAP1 gene, results from a duplication of G at nucleotide position 24, causing a translational frameshift with a predicted alternate stop codon (p.R9Afs*25). This alteration is expected to result in loss of function by premature protein truncation or nonsense-mediated mRNA decay. As such, this alteration is interpreted as a disease-causing mutation.